The following is an entry in ClinVar:

NM_001110556.2(FLNA):c.6923C>A (p.Ser2308Ter)

Gene: FLNA (filamin A; minus strand). Cytogenetic location: Xq28.
Variant type: single nucleotide variant.
Coding change: c.6923C>A on transcript NM_001110556.2 (MANE Select); coding-DNA position 6923, C replaced by A.
Protein change: p.Ser2308Ter; replaces serine 2308 with a stop codon.
Molecular consequence: nonsense.
Genome position (GRCh38, 1-based): chrX:154,351,681, G>T on the plus strand (C>A on the coding strand, the complement: FLNA is on the minus strand). VCF-style: chrX-154351681-G-T. GRCh37 (hg19) VCF-style: chrX-153580049-G-T.
Other names: c.6899C>A, p.Ser2300Ter (NM_001456.4); short protein forms S2300*, S2308*.
Identifiers: ClinVar variation 3757669 (VCV003757669.2).

ClinVar aggregate classification (germline): Pathogenic (1 of 4 stars; one submission).

Conditions:
Melnick-Needles syndrome (MNS). Also called: MELNICK-NEEDLES OSTEODYSPLASTY; OSTEODYSPLASTY OF MELNICK AND NEEDLES; Melnick-Needles Syndrome (FLNA-MNS). Identifiers: Orphanet 2484, MedGen C0025237, MONDO:0010650, OMIM 309350.
Frontometaphyseal dysplasia (FMD1). Identifiers: Orphanet 1826, MedGen C0265293, MONDO:0015942.
Heterotopia, periventricular, X-linked dominant (PVNH1). Also called: PERIVENTRICULAR NODULAR HETEROTOPIA 1; X-linked periventricular heterotopia; PERIVENTRICULAR NODULAR HETEROTOPIA 4; HETEROTOPIA, PERIVENTRICULAR, 1. Identifiers: Orphanet 2149, Orphanet 82004, MedGen C1848213, MONDO:0010233, OMIM 300049.
Oto-palato-digital syndrome, type II (OPD2). Also called: FACIOPALATOOSSEOUS SYNDROME; OPD II SYNDROME; Otopalatodigital Syndrome, Type II; Otopalatodigital Syndrome Type 2 (FLNA-OPD2). Identifiers: Orphanet 669, Orphanet 90652, MedGen C1844696, MONDO:0010571, OMIM 304120.

Submission:

Labcorp Genetics (formerly Invitae), Labcorp
Classification: Pathogenic for Oto-palato-digital syndrome, type II; Heterotopia, periventricular, X-linked dominant; Frontometaphyseal dysplasia; Melnick-Needles syndrome. Last evaluated: 2024-08-14. Review status: criteria provided, single submitter. Criteria: Invitae Variant Classification Sherloc (09022015). Collection method: clinical testing. Allele origin: germline.
Comment: This sequence change creates a premature translational stop signal (p.Ser2300*) in the FLNA gene. It is expected to result in an absent or disrupted protein product. Loss-of-function variants in FLNA are known to be pathogenic (PMID: 16684786, 20730588, 26471271). This variant is not present in population databases (gnomAD no frequency). This variant has not been reported in the literature in individuals affected with FLNA-related conditions. For these reasons, this variant has been classified as Pathogenic.

Literature cited by the submitters: PubMed 16684786; PubMed 20730588; PubMed 26471271.